The following is an entry in ClinVar:

NM_000503.6(EYA1):c.1609T>C (p.Cys537Arg)

Gene: EYA1 (EYA transcriptional coactivator and phosphatase 1; minus strand). Cytogenetic location: 8q13.3.
Variant type: single nucleotide variant.
Coding change: c.1609T>C on transcript NM_000503.6 (MANE Select); coding-DNA position 1609, T replaced by C.
Protein change: p.Cys537Arg; replaces cysteine 537 with arginine.
Molecular consequence: missense variant.
Genome position (GRCh38, 1-based): chr8:71,211,245, A>G on the plus strand (T>C on the coding strand, the complement: EYA1 is on the minus strand). VCF-style: chr8-71211245-A-G. GRCh37 (hg19) VCF-style: chr8-72123480-A-G.
Other names: c.1591T>C, p.Cys531Arg (NM_001288574.2, NM_172059.5); c.1243T>C, p.Cys415Arg (NM_001288575.2); c.1696T>C, p.Cys566Arg (NM_001370333.1); c.1609T>C, p.Cys537Arg (NM_001370334.1, NM_001370335.1, NM_172058.4); c.1588T>C, p.Cys530Arg (NM_001370336.1); short protein forms C537R, C530R, C531R, C566R, C415R.
Identifiers: ClinVar variation 528875 (VCV000528875.10), dbSNP rs1554594182, ClinGen allele CA371466004.

ClinVar aggregate classification (germline): Uncertain significance (1 of 4 stars; one submission).

Conditions:
Melnick-Fraser syndrome (BOR). Also called: Branchio-oto-renal syndrome; Branchiootorenal Syndrome (BORS); Branchiootorenal syndrome. Identifiers: Orphanet 107, MedGen C0265234, MONDO:0007029.

Submission:

Labcorp Genetics (formerly Invitae), Labcorp
Classification: Uncertain significance for Melnick-Fraser syndrome. Last evaluated: 2017-12-10. Review status: criteria provided, single submitter. Criteria: Invitae Variant Classification Sherloc (09022015). Collection method: clinical testing. Allele origin: germline.
Comment: This sequence change replaces cysteine with arginine at codon 537 of the EYA1 protein (p.Cys537Arg). The cysteine residue is highly conserved and there is a large physicochemical difference between cysteine and arginine. This variant is not present in population databases (ExAC no frequency). This variant has not been reported in the literature in individuals with EYA1-related disease. Algorithms developed to predict the effect of missense changes on protein structure and function do not agree on the potential impact of this missense change (SIFT: "Deleterious"; PolyPhen-2: "Probably Damaging"; Align-GVGD: "Class C0"). In summary, the available evidence is currently insufficient to determine the role of this variant in disease. Therefore, it has been classified as a Variant of Uncertain Significance.